The following is an entry in ClinVar:

NM_000018.4(ACADVL):c.62+9G>A

Gene: ACADVL (acyl-CoA dehydrogenase very long chain; plus strand). Cytogenetic location: 17p13.1.
Variant type: single nucleotide variant.
Coding change: c.62+9G>A on transcript NM_000018.4 (MANE Select); 9 bases into the intron after coding-DNA position 62, G replaced by A.
Molecular consequence: intron variant. On other transcripts: 5 prime UTR variant (1).
Genome position (GRCh38, 1-based): chr17:7,220,055, G>A. VCF-style: chr17-7220055-G-A. GRCh37 (hg19) VCF-style: chr17-7123374-G-A.
Other names: p.?; c.-233G>A (NM_001270448.2); c.132-67G>A (NM_001270447.2); c.62+9G>A (NM_001033859.3).
Identifiers: ClinVar variation 555795 (VCV000555795.27), dbSNP rs369512281, ClinGen allele CA8337525.

ClinVar aggregate classification (germline): Conflicting classifications of pathogenicity. Review status: criteria provided, conflicting classifications (1 of 4 stars). 6 submissions from 6 submitters: Uncertain significance (1); Likely benign (3). 2 of the submissions do not count toward it. Last evaluated 2025-12-21.

Conditions:
ACADVL-related disorder. Also called: ACADVL-related condition.
Very long chain acyl-CoA dehydrogenase deficiency (ACADVLD). Also called: Very Long-Chain Acyl-Coenzyme A Dehydrogenase Deficiency; VLCAD Deficiency. Identifiers: Orphanet 26793, MedGen C3887523, MONDO:0008723, OMIM 201475.

Allele frequency attached by ClinVar (database versions not stated): gnomAD exomes 0.00001 and 0.00007; gnomAD 0.00010; ExAC 0.00012; TOPMed 0.00014; ESP Exome Variant Server 0.00039; 1000 Genomes Project 0.00040; 1000 Genomes Project 30x 0.00047.
gnomAD v4.1: 36 of 1,602,336 alleles (0.0022%); highest among the groups gnomAD compares: African/African-American, 0.033%; no homozygotes.

Submissions (6):

Labcorp Genetics (formerly Invitae), Labcorp
Classification: Likely benign for Very long chain acyl-CoA dehydrogenase deficiency. Last evaluated: 2025-12-21. Review status: criteria provided, single submitter. Criteria: Invitae Variant Classification Sherloc (09022015). Collection method: clinical testing. Allele origin: germline.

Mayo Clinic Laboratories, Mayo Clinic
Classification: Likely benign. Last evaluated: 2025-05-07. Review status: criteria provided, single submitter. Criteria: ACMG Guidelines, 2015. Collection method: clinical testing. Allele origin: germline. Observed: 1 variant allele.
Comment: BP4, BP7

ARUP Laboratories, Molecular Genetics and Genomics, ARUP Laboratories
Classification: Likely benign for Very long chain acyl-CoA dehydrogenase deficiency. Last evaluated: 2021-10-05. Review status: criteria provided, single submitter. Criteria: ARUP Molecular Germline Variant Investigation Process 2021. Collection method: clinical testing. Allele origin: germline.

Wong Mito Lab, Molecular and Human Genetics, Baylor College of Medicine
Classification: Uncertain significance for Very long chain acyl-CoA dehydrogenase deficiency. Last evaluated: 2019-11-01. Review status: criteria provided, single submitter. Criteria: ACMG Guidelines, 2015. Collection method: clinical testing. Allele origin: germline.
Comment: The NM_000018.3:c.62+9G>A (NP_000009.1:p.?) [GRCH38: NC_000017.11:g.7220055G>A] variant in ACADVL gene is interpretated to be Uncertain Significance based on ACMG guidelines (PMID: 25741868). This variant has been reported.This variant dose not meet any evidence codes reported in the ACMG guidelines.

PreventionGenetics, part of Exact Sciences
Classification: Likely benign for ACADVL-related condition. Last evaluated: 2020-04-28. Review status: no assertion criteria provided. Collection method: clinical testing. Allele origin: germline. Not counted in ClinVar's aggregate classification.
Comment: This variant is classified as likely benign based on ACMG/AMP sequence variant interpretation guidelines (Richards et al. 2015 PMID: 25741868, with internal and published modifications).

Counsyl
Classification: Likely benign for Very long chain acyl-CoA dehydrogenase deficiency. Last evaluated: 2017-12-28. Review status: no assertion criteria provided. Collection method: clinical testing. Allele origin: unknown. Not counted in ClinVar's aggregate classification.